The following is an entry in ClinVar:

ClinVar aggregate classification (germline): Uncertain significance (1 of 4 stars; one submission).

Conditions:
BAP1-related tumor predisposition syndrome (TPDS1). Also called: Tumor susceptibility linked to germline BAP1 mutations; COMMON Syndrome; TUMOR PREDISPOSITION SYNDROME 1; BAP1 tumor predisposition syndrome. Identifiers: Orphanet 289539, MedGen C3280492, MONDO:0013692, OMIM 614327.

Submission:

Labcorp Genetics (formerly Invitae), Labcorp
Classification: Uncertain significance for BAP1-related tumor predisposition syndrome. Last evaluated: 2024-09-25. Review status: criteria provided, single submitter. Criteria: Invitae Variant Classification Sherloc (09022015). Collection method: clinical testing. Allele origin: germline.
Comment: This sequence change replaces glycine, which is neutral and non-polar, with aspartic acid, which is acidic and polar, at codon 578 of the BAP1 protein (p.Gly578Asp). This variant is not present in population databases (gnomAD no frequency). This variant has not been reported in the literature in individuals affected with BAP1-related conditions. Invitae Evidence Modeling of protein sequence and biophysical properties (such as structural, functional, and spatial information, amino acid conservation, physicochemical variation, residue mobility, and thermodynamic stability) indicates that this missense variant is not expected to disrupt BAP1 protein function with a negative predictive value of 80%. In summary, the available evidence is currently insufficient to determine the role of this variant in disease. Therefore, it has been classified as a Variant of Uncertain Significance.

NM_004656.4(BAP1):c.1733G>A (p.Gly578Asp)

Gene: BAP1 (BRCA1 associated deubiquitinase 1; minus strand). Cytogenetic location: 3p21.1.
Variant type: single nucleotide variant.
Coding change: c.1733G>A on transcript NM_004656.4 (MANE Select); coding-DNA position 1733, G replaced by A.
Protein change: p.Gly578Asp; replaces glycine 578 with aspartic acid.
Molecular consequence: missense variant.
Genome position (GRCh38, 1-based): chr3:52,403,295, C>T on the plus strand (G>A on the coding strand, the complement: BAP1 is on the minus strand). VCF-style: chr3-52403295-C-T. GRCh37 (hg19) VCF-style: chr3-52437311-C-T.
Other names: c.1679G>A, p.Gly560Asp (NM_001410772.1); short protein forms G560D, G578D.
Identifiers: ClinVar variation 3730050 (VCV003730050.2).